The following is an entry in ClinVar:

NM_003240.5(LEFTY2):c.793C>T (p.Arg265Cys)

Gene: LEFTY2 (left-right determination factor 2; minus strand). Cytogenetic location: 1q42.12.
Variant type: single nucleotide variant.
Coding change: c.793C>T on transcript NM_003240.5 (MANE Select); coding-DNA position 793, C replaced by T.
Protein change: p.Arg265Cys; replaces arginine 265 with cysteine.
Molecular consequence: missense variant.
Genome position (GRCh38, 1-based): chr1:225,937,749, G>A on the plus strand (C>T on the coding strand, the complement: LEFTY2 is on the minus strand). VCF-style: chr1-225937749-G-A. GRCh37 (hg19) VCF-style: chr1-226125449-G-A.
Other names: c.691C>T, p.Arg231Cys (NM_001172425.3); short protein forms R265C, R231C.
Identifiers: ClinVar variation 536416 (VCV000536416.9), dbSNP rs755576793, ClinGen allele CA1420474.

ClinVar aggregate classification (germline): Uncertain significance. Review status: criteria provided, multiple submitters, no conflicts (2 of 4 stars). 2 submissions from 2 submitters: Uncertain significance (2). Last evaluated 2025-06-11.

Conditions:
Left-right axis malformations. Identifiers: MedGen C1866091.

Allele frequency attached by ClinVar (database versions not stated): ExAC 0.00001; gnomAD 0.00001; gnomAD exomes 0.00001 and 0.00002; TOPMed 0.00002.
gnomAD v4.1: 20 of 1,611,280 alleles (0.0012%); highest among the groups gnomAD compares: Admixed American, 0.005%; no homozygotes.

Submissions (2):

Ambry Genetics
Classification: Uncertain significance. Last evaluated: 2025-06-11. Review status: criteria provided, single submitter. Criteria: Ambry Variant Classification Scheme 2023. Collection method: clinical testing. Allele origin: germline.

Labcorp Genetics (formerly Invitae), Labcorp
Classification: Uncertain significance for Left-right axis malformations. Last evaluated: 2022-02-05. Review status: criteria provided, single submitter. Criteria: Invitae Variant Classification Sherloc (09022015). Collection method: clinical testing. Allele origin: germline.
Comment: ClinVar contains an entry for this variant (Variation ID: 536416). In summary, the available evidence is currently insufficient to determine the role of this variant in disease. Therefore, it has been classified as a Variant of Uncertain Significance. Algorithms developed to predict the effect of missense changes on protein structure and function (SIFT, PolyPhen-2, Align-GVGD) all suggest that this variant is likely to be disruptive. This variant has not been reported in the literature in individuals affected with LEFTY2-related conditions. This variant is present in population databases (rs755576793, gnomAD 0.009%). This sequence change replaces arginine, which is basic and polar, with cysteine, which is neutral and slightly polar, at codon 265 of the LEFTY2 protein (p.Arg265Cys).